The following is an entry in ClinVar:

ClinVar aggregate classification (germline): Conflicting classifications of pathogenicity. Review status: criteria provided, conflicting classifications (1 of 4 stars). 3 submissions from 3 submitters: Likely pathogenic (2); Uncertain significance (1). Last evaluated 2025-08-16.

Submissions (3):

GeneDx
Classification: Likely pathogenic. Last evaluated: 2025-08-16. Review status: criteria provided, single submitter. Criteria: GeneDx Variant Classification Process June 2021. Collection method: clinical testing. Allele origin: germline. Affected: yes.
Comment: Published functional studies support this variant is associated with moderately reduced OTC activity (PMID: 37146589); Not observed at significant frequency in large population cohorts (gnomAD); In silico analysis suggests that this missense variant does not alter protein structure/function; This variant is associated with the following publications: (PMID: 31589614, 24010702, 11117428, 37146589)

Women's Health and Genetics/Laboratory Corporation of America, LabCorp
Classification: Uncertain significance. Last evaluated: 2024-03-14. Review status: criteria provided, single submitter. Criteria: LabCorp Variant Classification Summary - May 2015. Collection method: clinical testing. Allele origin: germline.
Comment: Variant summary: OTC c.228A>C (p.Leu76Phe) results in a non-conservative amino acid change located in the Aspartate/ornithine carbamoyltransferase, carbamoyl-P binding domain (IPR006132) of the encoded protein sequence. Four of five in-silico tools predict a damaging effect of the variant on protein function. The variant was absent in 182630 control chromosomes (gnomAD). c.228A>C has been reported in the literature in a heterozygous individual affected with Ornithine Transcarbamylase Deficiency (Zhong_2013). These data do not allow any conclusion about variant significance. At least one publication reports experimental evidence evaluating an impact on protein function, finding a hypomorphic effect in a yeast growth assay (Lo_2023). The following publications have been ascertained in the context of this evaluation (PMID: 24010702, 37146589). ClinVar contains an entry for this variant (Variation ID: 496896). Based on the evidence outlined above, the variant was classified as VUS-possibly pathogenic.

Eurofins Ntd Llc (ga)
Classification: Likely pathogenic. Last evaluated: 2017-03-15. Review status: criteria provided, single submitter. Criteria: EGL Classification Definitions 2015. Collection method: clinical testing. Allele origin: germline. Observed: 1 variant allele, 1 hemizygote.

Literature cited by the submitters: PubMed 37146589 (cited by Women's Health and Genetics/Laboratory Corporation of America, LabCorp); PubMed 24010702 (cited by Women's Health and Genetics/Laboratory Corporation of America, LabCorp).

NM_000531.6(OTC):c.228A>C (p.Leu76Phe)

Gene: OTC (ornithine transcarbamylase; plus strand). Cytogenetic location: Xp11.4.
Variant type: single nucleotide variant.
Coding change: c.228A>C on transcript NM_000531.6 (MANE Select); coding-DNA position 228, A replaced by C.
Protein change: p.Leu76Phe; replaces leucine 76 with phenylalanine.
Molecular consequence: missense variant.
Genome position (GRCh38, 1-based): chrX:38,369,807, A>C. VCF-style: chrX-38369807-A-C. GRCh37 (hg19) VCF-style: chrX-38229060-A-C.
Other names: c.228A>C (NM_000531.5); short protein forms L76F.
Identifiers: ClinVar variation 496896 (VCV000496896.9), dbSNP rs1555972495, ClinGen allele CA412716809.